The following is an entry in ClinVar:

NM_012183.3(FOXD3):c.1308G>A (p.Ser436=)

Genes: FOXD3 (forkhead box D3; plus strand), FOXD3-AS1 (FOXD3 antisense RNA 1; minus strand). Cytogenetic location: 1p31.3.
Variant type: single nucleotide variant.
Coding change: c.1308G>A on transcript NM_012183.3 (MANE Select); coding-DNA position 1308, G replaced by A.
Protein change: p.Ser436=; no amino-acid change (serine 436 retained).
Molecular consequence: synonymous variant. On other transcripts: non-coding transcript variant (1).
Genome position (GRCh38, 1-based): chr1:63,324,366, G>A. VCF-style: chr1-63324366-G-A. GRCh37 (hg19) VCF-style: chr1-63790037-G-A.
Identifiers: ClinVar variation 3047999 (VCV003047999.2), dbSNP rs202214846, ClinGen allele CA887980.
Genomic context (GRCh38, chr1:63,324,366, plus strand): 5'-TCTGCGGCCACCCGGGACCGTGCAGTCGGCAGCGCTCATGGCCACCCACCAACCGCTGTC[G>A]CTGAGCCGGACGACTGCCACCATCGCGCCCATTCTTAGCGTGCCACTCTCCGGACAGTTT-3'
Protein context (NP_036315.1, residues 426-446): AALMATHQPL[Ser436=]LSRTTATIAP

ClinVar aggregate classification (germline): Likely benign (0 of 4 stars; one submission).

Conditions:
FOXD3-related disorder. Also called: FOXD3-related condition.

Allele frequency attached by ClinVar (database versions not stated): ESP Exome Variant Server 0.00033; ExAC 0.00034; 1000 Genomes Project 0.00160; 1000 Genomes Project 30x 0.00203.

Submission:

PreventionGenetics, part of Exact Sciences
Classification: Likely benign for FOXD3-related condition. Last evaluated: 2019-05-02. Review status: no assertion criteria provided. Collection method: clinical testing. Allele origin: germline.
Comment: This variant is classified as likely benign based on ACMG/AMP sequence variant interpretation guidelines (Richards et al. 2015 PMID: 25741868, with internal and published modifications).